The following is an entry in ClinVar:

ClinVar aggregate classification (germline): Likely pathogenic (1 of 4 stars; one submission).

Submission:

Labcorp Genetics (formerly Invitae), Labcorp
Classification: Likely pathogenic. Last evaluated: 2024-01-16. Review status: criteria provided, single submitter. Criteria: Invitae Variant Classification Sherloc (09022015). Collection method: clinical testing. Allele origin: germline.
Comment: This sequence change replaces phenylalanine, which is neutral and non-polar, with leucine, which is neutral and non-polar, at codon 667 of the SLC26A4 protein (p.Phe667Leu). This variant is not present in population databases (gnomAD no frequency). This missense change has been observed in individual(s) with deafness (PMID: 23638949). Advanced modeling of protein sequence and biophysical properties (such as structural, functional, and spatial information, amino acid conservation, physicochemical variation, residue mobility, and thermodynamic stability) performed at Invitae indicates that this missense variant is expected to disrupt SLC26A4 protein function with a positive predictive value of 95%. This variant disrupts the p.Phe667 amino acid residue in SLC26A4. Other variant(s) that disrupt this residue have been determined to be pathogenic (PMID: 9398842, 22116359). This suggests that this residue is clinically significant, and that variants that disrupt this residue are likely to be disease-causing. In summary, the currently available evidence indicates that the variant is pathogenic, but additional data are needed to prove that conclusively. Therefore, this variant has been classified as Likely Pathogenic.

Literature cited by the submitters: PubMed 23638949; PubMed 9398842; PubMed 22116359.

NM_000441.2(SLC26A4):c.1999T>C (p.Phe667Leu)

Gene: SLC26A4 (solute carrier family 26 member 4; plus strand). Cytogenetic location: 7q22.3.
Variant type: single nucleotide variant.
Coding change: c.1999T>C on transcript NM_000441.2 (MANE Select); coding-DNA position 1999, T replaced by C.
Protein change: p.Phe667Leu; replaces phenylalanine 667 with leucine.
Molecular consequence: missense variant.
Genome position (GRCh38, 1-based): chr7:107,702,022, T>C. VCF-style: chr7-107702022-T-C. GRCh37 (hg19) VCF-style: chr7-107342467-T-C.
Other names: short protein forms F667L.
Identifiers: ClinVar variation 2735072 (VCV002735072.3), dbSNP rs2535338363, ClinGen allele CA368843800.
Genomic context (GRCh38, chr7:107,702,022, plus strand): 5'-AAAGTGAACGTTCCCAAAGTGCCAATCCATAGCCTTGTGCTTGACTGTGGAGCTATATCT[T>C]TCCTGGACGTTGTTGGAGTGAGATCACTGCGGGTGGTAAGGTTCTGGTTTTCTGAATTAT-3'
Protein context (NP_000432.1, residues 657-677): SLVLDCGAIS[Phe667Leu]LDVVGVRSLR